The following is an entry in ClinVar:

NM_020800.3(IFT80):c.437A>G (p.Gln146Arg)

Genes: IFT80 (intraflagellar transport 80; minus strand), TRIM59-IFT80 (TRIM59-IFT80 readthrough (NMD candidate); minus strand). Cytogenetic location: 3q25.33.
Variant type: single nucleotide variant.
Coding change: c.437A>G on transcript NM_020800.3 (MANE Select); coding-DNA position 437, A replaced by G.
Protein change: p.Gln146Arg; replaces glutamine 146 with arginine.
Molecular consequence: missense variant. On other transcripts: non-coding transcript variant (2).
Genome position (GRCh38, 1-based): chr3:160,375,814, T>C on the plus strand (A>G on the coding strand, the complement: IFT80 is on the minus strand). VCF-style: chr3-160375814-T-C. GRCh37 (hg19) VCF-style: chr3-160093602-T-C.
Other names: c.26A>G, p.Gln9Arg (NM_001190241.2, NM_001190242.2); short protein forms Q146R, Q9R.
Identifiers: ClinVar variation 1389550 (VCV001389550.6), dbSNP rs2108394316, ClinGen allele CA355194031.

ClinVar aggregate classification (germline): Uncertain significance (1 of 4 stars; one submission).

Conditions:
Jeune thoracic dystrophy. Also called: Jeune syndrome; Infantile thoracic dystrophy; Thoracic pelvic phalangeal dystrophy; Jeune's syndrome; Chondroectodermal dysplasia-like syndrome; Short-rib thoracic dysplasia. Identifiers: Orphanet 474, MedGen C0265275, MONDO:0018770.

Allele frequency attached by ClinVar (database versions not stated): gnomAD exomes below 0.00001.
gnomAD v4.1: 1 of 1,609,074 alleles (0.000062%); highest among the groups gnomAD compares: Non-Finnish European, 0.000085%; no homozygotes.

Submission:

Labcorp Genetics (formerly Invitae), Labcorp
Classification: Uncertain significance for Jeune thoracic dystrophy. Last evaluated: 2022-10-24. Review status: criteria provided, single submitter. Criteria: Invitae Variant Classification Sherloc (09022015). Collection method: clinical testing. Allele origin: germline.
Comment: In summary, the available evidence is currently insufficient to determine the role of this variant in disease. Therefore, it has been classified as a Variant of Uncertain Significance. Algorithms developed to predict the effect of missense changes on protein structure and function (SIFT, PolyPhen-2, Align-GVGD) all suggest that this variant is likely to be tolerated. ClinVar contains an entry for this variant (Variation ID: 1389550). This variant has not been reported in the literature in individuals affected with IFT80-related conditions. This variant is not present in population databases (gnomAD no frequency). This sequence change replaces glutamine, which is neutral and polar, with arginine, which is basic and polar, at codon 146 of the IFT80 protein (p.Gln146Arg).